The following is an entry in ClinVar:

ClinVar aggregate classification (germline): Uncertain significance (1 of 4 stars; one submission).

Submission:

Labcorp Genetics (formerly Invitae), Labcorp
Classification: Uncertain significance. Last evaluated: 2024-03-02. Review status: criteria provided, single submitter. Criteria: Invitae Variant Classification Sherloc (09022015). Collection method: clinical testing. Allele origin: germline.
Comment: This sequence change replaces tyrosine, which is neutral and polar, with cysteine, which is neutral and slightly polar, at codon 1802 of the HSPG2 protein (p.Tyr1802Cys). This variant is not present in population databases (gnomAD no frequency). This variant has not been reported in the literature in individuals affected with HSPG2-related conditions. An algorithm developed to predict the effect of missense changes on protein structure and function (PolyPhen-2) suggests that this variant is likely to be disruptive. In summary, the available evidence is currently insufficient to determine the role of this variant in disease. Therefore, it has been classified as a Variant of Uncertain Significance.

NM_005529.7(HSPG2):c.5405A>G (p.Tyr1802Cys)

Gene: HSPG2 (heparan sulfate proteoglycan 2; minus strand). Cytogenetic location: 1p36.12.
Variant type: single nucleotide variant.
Coding change: c.5405A>G on transcript NM_005529.7 (MANE Select); coding-DNA position 5405, A replaced by G.
Protein change: p.Tyr1802Cys; replaces tyrosine 1802 with cysteine.
Molecular consequence: missense variant.
Genome position (GRCh38, 1-based): chr1:21,857,185, T>C on the plus strand (A>G on the coding strand, the complement: HSPG2 is on the minus strand). VCF-style: chr1-21857185-T-C. GRCh37 (hg19) VCF-style: chr1-22183678-T-C.
Other names: c.5408A>G, p.Tyr1803Cys (NM_001291860.2); short protein forms Y1802C, Y1803C.
Identifiers: ClinVar variation 2706212 (VCV002706212.3), dbSNP rs2550698354, ClinGen allele CA338942636.